The following is an entry in ClinVar:

NM_206933.4(USH2A):c.7397C>T (p.Ser2466Phe)

Gene: USH2A (usherin; minus strand). Cytogenetic location: 1q41.
Variant type: single nucleotide variant.
Coding change: c.7397C>T on transcript NM_206933.4 (MANE Select); coding-DNA position 7397, C replaced by T.
Protein change: p.Ser2466Phe; replaces serine 2466 with phenylalanine.
Molecular consequence: missense variant.
Genome position (GRCh38, 1-based): chr1:215,900,809, G>A on the plus strand (C>T on the coding strand, the complement: USH2A is on the minus strand). VCF-style: chr1-215900809-G-A. GRCh37 (hg19) VCF-style: chr1-216074151-G-A.
Other names: short protein forms S2466F.
Identifiers: ClinVar variation 968277 (VCV000968277.9), dbSNP rs1665475399, ClinGen allele CA344849738.

ClinVar aggregate classification (germline): Uncertain significance. Review status: criteria provided, multiple submitters, no conflicts (2 of 4 stars). 5 submissions from 4 submitters: Uncertain significance (4). 1 of the submissions does not count toward it. Last evaluated 2023-12-11.

Conditions:
Retinitis pigmentosa 39 (RP39). Identifiers: Orphanet 791, MedGen C3151138, MONDO:0013436, OMIM 613809.
Inborn genetic diseases. Identifiers: MedGen C0950123, MeSH D030342.
Usher syndrome type 2A. Also called: RETINAL DISEASE IN USHER SYNDROME TYPE IIA, MODIFIER OF; USHER SYNDROME, TYPE IIA. Identifiers: Orphanet 231178, Orphanet 886, MedGen C1848634, MONDO:0010169, OMIM 276901.

Allele frequency attached by ClinVar (database versions not stated): gnomAD exomes below 0.00001.
gnomAD v4.1: 1 of 1,613,824 alleles (0.000062%); highest among the groups gnomAD compares: Non-Finnish European, 0.000085%; no homozygotes.

Submissions (5):

Labcorp Genetics (formerly Invitae), Labcorp
Classification: Uncertain significance. Last evaluated: 2023-12-11. Review status: criteria provided, single submitter. Criteria: Invitae Variant Classification Sherloc (09022015). Collection method: clinical testing. Allele origin: germline.
Comment: This sequence change replaces serine, which is neutral and polar, with phenylalanine, which is neutral and non-polar, at codon 2466 of the USH2A protein (p.Ser2466Phe). This variant is not present in population databases (gnomAD no frequency). This variant has not been reported in the literature in individuals affected with USH2A-related conditions. ClinVar contains an entry for this variant (Variation ID: 968277). Advanced modeling of protein sequence and biophysical properties (such as structural, functional, and spatial information, amino acid conservation, physicochemical variation, residue mobility, and thermodynamic stability) performed at Invitae indicates that this missense variant is not expected to disrupt USH2A protein function with a negative predictive value of 95%. In summary, the available evidence is currently insufficient to determine the role of this variant in disease. Therefore, it has been classified as a Variant of Uncertain Significance.

Genome-Nilou Lab
Classification: Uncertain significance for Retinitis pigmentosa 39. Last evaluated: 2023-11-04. Review status: criteria provided, single submitter. Criteria: ACMG Guidelines, 2015. Collection method: clinical testing. Allele origin: germline. Affected: no.

Genome-Nilou Lab
Classification: Uncertain significance for Usher syndrome type 2A. Last evaluated: 2023-11-04. Review status: criteria provided, single submitter. Criteria: ACMG Guidelines, 2015. Collection method: clinical testing. Allele origin: germline. Affected: no.

Ambry Genetics
Classification: Uncertain significance for Inborn genetic diseases. Last evaluated: 2021-12-07. Review status: criteria provided, single submitter. Criteria: Ambry Variant Classification Scheme 2023. Collection method: clinical testing. Allele origin: germline.

Natera, Inc.
Classification: Uncertain significance for Usher syndrome type 2A. Last evaluated: 2021-09-06. Review status: no assertion criteria provided. Collection method: clinical testing. Allele origin: germline. Not counted in ClinVar's aggregate classification.